The following is an entry in ClinVar:

ClinVar aggregate classification (germline): Benign/Likely benign. Review status: criteria provided, multiple submitters, no conflicts (2 of 4 stars). 2 submissions from 2 submitters: Benign (1); Likely benign (1). Last evaluated 2026-07-27.

Conditions:
Hereditary cancer-predisposing syndrome. Also called: Tumor predisposition; Hereditary Cancer Syndrome; Neoplastic Syndromes, Hereditary; Hereditary neoplastic syndrome. Identifiers: Orphanet 140162, MedGen C0027672, MeSH D009386, MONDO:0015356.
Familial adenomatous polyposis 1 (FAP1). Also called: FAMILIAL ADENOMATOUS POLYPOSIS 1, ATTENUATED; POLYPOSIS, ADENOMATOUS INTESTINAL. Identifiers: MedGen C2713442, MONDO:0021056, OMIM 175100. Disease mechanism: loss of function.

Submissions (2):

Ambry Genetics
Classification: Likely benign for Hereditary cancer-predisposing syndrome. Last evaluated: 2026-07-27. Review status: criteria provided, single submitter. Criteria: Ambry Variant Classification Scheme 2023. Collection method: clinical testing. Allele origin: germline.

Myriad Genetics, Inc.
Classification: Benign for Familial adenomatous polyposis 1. Last evaluated: 2024-03-27. Review status: criteria provided, single submitter. Criteria: Myriad Autosomal Dominant, Autosomal Recessive and X-Linked Classification Criteria (2023). Collection method: clinical testing. Allele origin: unknown.
Comment: This variant is considered benign. This variant is a silent/synonymous amino acid change and it is not expected to impact splicing.

NM_000038.6(APC):c.4461T>G (p.Thr1487=)

Gene: APC (APC regulator of Wnt signaling pathway; plus strand). Cytogenetic location: 5q22.2.
Variant type: single nucleotide variant.
Coding change: c.4461T>G on transcript NM_000038.6 (MANE Select); coding-DNA position 4461, T replaced by G.
Protein change: p.Thr1487=; no amino-acid change (threonine 1487 retained).
Molecular consequence: synonymous variant. On other transcripts: non-coding transcript variant (2).
Genome position (GRCh38, 1-based): chr5:112,840,055, T>G. VCF-style: chr5-112840055-T-G. GRCh37 (hg19) VCF-style: chr5-112175752-T-G.
Other names: c.4461T>G (NM_000038.5); c.4461T>G, p.Thr1487= (NM_001127510.3, NM_001354895.2, NM_001407450.1); c.4407T>G, p.Thr1469= (NM_001127511.3); c.4515T>G, p.Thr1505= (NM_001354896.2, NM_001407447.1, NM_001407448.1 and 1 more transcripts); c.4491T>G, p.Thr1497= (NM_001354897.2); c.4386T>G, p.Thr1462= (NM_001354898.2); c.4377T>G, p.Thr1459= (NM_001354899.2); c.4338T>G, p.Thr1446= (NM_001354900.2); and 12 more.
Identifiers: ClinVar variation 3148308 (VCV003148308.2), dbSNP rs2149915272, ClinGen allele CA446206500.